The following is an entry in ClinVar:

ClinVar aggregate classification (germline): Likely benign. Review status: criteria provided, single submitter (1 of 4 stars). 2 submissions from 2 submitters: Likely benign (1). 1 of the submissions does not count toward it. Last evaluated 2024-11-26.

Conditions:
PHIP-related disorder. Also called: PHIP-related disorders; PHIP-related condition.

Submissions (2):

Blueprint Genetics
Classification: Likely benign. Last evaluated: 2024-11-26. Review status: criteria provided, single submitter. Criteria: ACMG Guidelines, 2015. Collection method: clinical testing. Allele origin: germline.

PreventionGenetics, part of Exact Sciences
Classification: Benign for PHIP-related condition. Last evaluated: 2023-01-03. Review status: no assertion criteria provided. Collection method: clinical testing. Allele origin: germline. Not counted in ClinVar's aggregate classification.
Comment: This variant is classified as benign based on ACMG/AMP sequence variant interpretation guidelines (Richards et al. 2015 PMID: 25741868, with internal and published modifications).

NM_017934.7(PHIP):c.3656+1239dup

Genes: IRAK1BP1 (interleukin 1 receptor associated kinase 1 binding protein 1; plus strand), PHIP (PHIP subunit of CUL4-Ring ligase complex; minus strand). Cytogenetic location: 6q14.1.
Variant type: Duplication.
Coding change: c.3656+1239dup on transcript NM_017934.7 (MANE Select); 1239 bases into the intron after coding-DNA position 3656, one base duplicated (A; older notation c.3656+1239dupA).
Molecular consequence: intron variant.
Genome position (GRCh38, 1-based): chr6:78,960,451, T duplicated on the plus strand (A on the coding strand, the reverse complement: PHIP is on the minus strand); the first of 16 consecutive T bases (chr6:78,960,451-78,960,466); duplicating any one gives the same sequence. VCF-style (leftmost placement, unchanged base first): chr6-78960450-C-CT. GRCh37 (hg19) VCF-style: chr6-79670167-C-CT.
Identifiers: ClinVar variation 3033065 (VCV003033065.3), dbSNP rs1208567579, ClinGen allele CA568276631.